The following is an entry in ClinVar:

ClinVar aggregate classification (germline): Likely benign (1 of 4 stars; one submission).

gnomAD v4.1: 2 of 1,612,734 alleles (0.00012%); highest among the groups gnomAD compares: Admixed American, 0.0017%; no homozygotes.

Submission:

CeGaT Center for Human Genetics Tuebingen
Classification: Likely benign. Last evaluated: 2025-08-01. Review status: criteria provided, single submitter. Criteria: CeGaT Center For Human Genetics Tuebingen Variant Classification Criteria Version 2. Collection method: clinical testing. Allele origin: germline. Affected: yes. Observed: 1 variant allele.
Comment: COA7: BP4, BP7

NM_023077.3(COA7):c.39C>T (p.Val13=)

Gene: COA7 (cytochrome c oxidase assembly factor 7; minus strand). Cytogenetic location: 1p32.3.
Variant type: single nucleotide variant.
Coding change: c.39C>T on transcript NM_023077.3 (MANE Select); coding-DNA position 39, C replaced by T.
Protein change: p.Val13=; no amino-acid change (valine 13 retained).
Molecular consequence: synonymous variant.
Genome position (GRCh38, 1-based): chr1:52,698,288, G>A on the plus strand (C>T on the coding strand, the complement: COA7 is on the minus strand). VCF-style: chr1-52698288-G-A. GRCh37 (hg19) VCF-style: chr1-53163960-G-A.
Identifiers: ClinVar variation 4085923 (VCV004085923.8).